The following is an entry in ClinVar:

NM_004168.4(SDHA):c.896-11G>T

Gene: SDHA (succinate dehydrogenase complex flavoprotein subunit A; plus strand). Cytogenetic location: 5p15.33.
Variant type: single nucleotide variant.
Coding change: c.896-11G>T on transcript NM_004168.4 (MANE Select); 11 bases into the intron before coding-DNA position 896, G replaced by T.
Molecular consequence: intron variant.
Genome position (GRCh38, 1-based): chr5:233,466, G>T. VCF-style: chr5-233466-G-T. GRCh37 (hg19) VCF-style: chr5-233581-G-T.
Other names: c.896-11G>T (NM_001330758.2); c.752-11G>T (NM_001294332.2).
Identifiers: ClinVar variation 907705 (VCV000907705.6), dbSNP rs774043076, ClinGen allele CA3173036.

ClinVar aggregate classification (germline): Conflicting classifications of pathogenicity. Review status: criteria provided, conflicting classifications (1 of 4 stars). 5 submissions from 3 submitters: Uncertain significance (4); Likely benign (1). Last evaluated 2025-03-04.

Conditions:
Pheochromocytoma/paraganglioma syndrome 5. Also called: Paragangliomas 5; SDHA-Related Hereditary Paraganglioma-Pheochromocytoma Syndrome. Identifiers: Orphanet 29072, MedGen C3279992, MONDO:0013602, OMIM 614165.
Mitochondrial complex II deficiency, nuclear type 1. Also called: SUCCINATE CoQ REDUCTASE DEFICIENCY. Identifiers: Orphanet 3208, MedGen C5700310, MONDO:0100294, OMIM 252011.
Hereditary cancer-predisposing syndrome. Also called: Hereditary Cancer Syndrome; Neoplastic Syndromes, Hereditary; Tumor predisposition; Hereditary neoplastic syndrome. Identifiers: Orphanet 140162, MedGen C0027672, MeSH D009386, MONDO:0015356.
Leigh syndrome (NULS). Also called: LEIGH SYNDROME, NUCLEAR; Leigh Disease; Leigh's syndrome; Leigh Syndrome (mtDNA deletion); Subacute necrotizing encephalopathy; Necrotizing encephalopathy infantile subacute of Leigh. Identifiers: Orphanet 506, MedGen C2931891, MONDO:0009723, OMIM 256000.
Hereditary pheochromocytoma and paraganglioma. Also called: Hereditary Paraganglioma-Pheochromocytoma Syndromes; Hereditary paragangliomas and pheochromocytomas; Hereditary pheochromocytoma-paraganglioma. Identifiers: Orphanet 29072, MedGen C4274332, MONDO:0017366.

Allele frequency attached by ClinVar (database versions not stated): ExAC 0.00001; gnomAD exomes 0.00001; TOPMed 0.00001.
gnomAD v4.1: 16 of 1,613,700 alleles (0.00099%); highest among the groups gnomAD compares: Non-Finnish European, 0.0014%; no homozygotes.

Submissions (5):

Myriad Genetics, Inc.
Classification: Likely benign for Pheochromocytoma/paraganglioma syndrome 5. Last evaluated: 2025-03-04. Review status: criteria provided, single submitter. Criteria: Myriad Autosomal Dominant, Autosomal Recessive and X-Linked Classification Criteria (2023). Collection method: clinical testing. Allele origin: unknown.
Comment: This variant is considered likely benign. This variant is intronic and is not expected to impact mRNA splicing.

Sema4
Classification: Uncertain significance for Hereditary cancer-predisposing syndrome. Last evaluated: 2022-02-05. Review status: criteria provided, single submitter. Criteria: Sema4 Curation Guidelines. Collection method: curation. Allele origin: germline.
Comment: The SDHA c.896-11G>T variant has not been reported in the literature to our knowledge. This variant was observed in 2/113768 chromosomes in the Non-Finnish European population according to the Genome Aggregation Database (PMID: 32461654). This variant has been reported in ClinVar (Variation ID: 907705). Algorithms developed to predict the effect of sequence changes on RNA splicing do not suggest negative effect, though these predictions have not been confirmed by functional studies. The evidence is insufficient to meet ACMG/AMP criteria for classifying the variant as benign or pathogenic. Thus, the clinical significance of this variant is currently uncertain.

Illumina Laboratory Services, Illumina
Classification: Uncertain significance for Leigh syndrome. Last evaluated: 2018-01-13. Review status: criteria provided, single submitter. Criteria: ICSL Variant Classification Criteria 13 December 2019. Collection method: clinical testing. Allele origin: germline.

Illumina Laboratory Services, Illumina
Classification: Uncertain significance for Hereditary Paraganglioma-Pheochromocytoma Syndromes. Last evaluated: 2018-01-13. Review status: criteria provided, single submitter. Criteria: ICSL Variant Classification Criteria 13 December 2019. Collection method: clinical testing. Allele origin: germline.

Illumina Laboratory Services, Illumina
Classification: Uncertain significance for Mitochondrial complex II deficiency, nuclear type 1. Last evaluated: 2018-01-13. Review status: criteria provided, single submitter. Criteria: ICSL Variant Classification Criteria 13 December 2019. Collection method: clinical testing. Allele origin: germline.